The following is an entry in ClinVar:

NM_000203.5(IDUA):c.159-2A>G

Genes: IDUA (alpha-L-iduronidase; plus strand), SLC26A1 (solute carrier family 26 member 1; minus strand). Cytogenetic location: 4p16.3.
Variant type: single nucleotide variant.
Coding change: c.159-2A>G on transcript NM_000203.5 (MANE Select); the canonical splice acceptor site of the intron before coding-DNA position 159, A replaced by G.
Molecular consequence: splice acceptor variant. On other transcripts: 3 prime UTR variant (2), intron variant (1).
Genome position (GRCh38, 1-based): chr4:987,807, A>G. VCF-style: chr4-987807-A-G. GRCh37 (hg19) VCF-style: chr4-981595-A-G.
Other names: c.*1026T>C (NM_022042.4, NM_213613.4); c.576+3321T>C (NM_134425.4).
Identifiers: ClinVar variation 1067858 (VCV001067858.9), dbSNP rs2153015588, ClinGen allele CA355945953.
Genomic context (GRCh38, chr4:987,807, plus strand): 5'-TGTCAGCCGCGCTGCCAGCCATGCTGAGGCTCGGGACTGAGCCGCCCCTTTGTTGTCCCC[A>G]GCCCCCCGCTGCCACACAGCCAGGCTGACCAGTACGTCCTCAGCTGGGACCAGCAGCTCA-3'

ClinVar aggregate classification (germline): Likely pathogenic (1 of 4 stars; one submission).

Conditions:
Mucopolysaccharidosis type 1. Also called: Mucopolysaccharidosis Type I; IDUA deficiency; MPS I. Identifiers: Orphanet 579, MedGen C0023786, MONDO:0001586.

Submission:

Labcorp Genetics (formerly Invitae), Labcorp
Classification: Likely pathogenic for Mucopolysaccharidosis type 1. Last evaluated: 2020-02-17. Review status: criteria provided, single submitter. Criteria: Invitae Variant Classification Sherloc (09022015). Collection method: clinical testing. Allele origin: germline.
Comment: This sequence change affects an acceptor splice site in intron 1 of the IDUA gene. It is expected to disrupt RNA splicing and likely results in an absent or disrupted protein product. This variant is not present in population databases (ExAC no frequency). This variant has not been reported in the literature in individuals with IDUA-related conditions. Algorithms developed to predict the effect of sequence changes on RNA splicing suggest that this variant may disrupt the consensus splice site, but this prediction has not been confirmed by published transcriptional studies. Donor and acceptor splice site variants typically lead to a loss of protein function (PMID: 16199547), and loss-of-function variants in IDUA are known to be pathogenic (PMID: 11735025, 21480867). In summary, the currently available evidence indicates that the variant is pathogenic, but additional data are needed to prove that conclusively. Therefore, this variant has been classified as Likely Pathogenic.

Literature cited by the submitters: PubMed 16199547; PubMed 11735025; PubMed 21480867.